The following is an entry in ClinVar:

ClinVar aggregate classification (germline): Likely pathogenic (3 of 4 stars; one submission).

Conditions:
Bernard Soulier syndrome (BSS). Also called: BLEEDING DISORDER, PLATELET-TYPE, 1; PLATELET GLYCOPROTEIN Ib DEFICIENCY; VON WILLEBRAND FACTOR RECEPTOR DEFICIENCY; Platelet Glycoprotein 1b, Deficiency of; Giant platelet syndrome; Hemorrhagiparous thrombocytic dystrophy. Identifiers: Orphanet 274, MedGen C0005129, MeSH D001606, MONDO:0009276, OMIM 231200.

Submission:

ClinGen Platelet Disorders Variant Curation Expert Panel, ClinGen
Classification: Likely pathogenic for Bernard Soulier syndrome. Last evaluated: 2026-02-05. Review status: reviewed by expert panel. Criteria: ClinGen Platelet ACMG Specifications GP1BB V1.0.0. Collection method: curation. Allele origin: germline. Inheritance: Autosomal recessive inheritance.
Comment: The c.313del (p.Ala105ProfsTer88) variant in GP1BB is a frameshift variant that may cause loss of function of the protein, however it is predicted to escape nonsense mediated decay and remove >10% of the protein (PVS1_Strong). At least one patient (Patient 1 in PMID: 10216092) with this variant had aggregation absent for ristocetin and present for all other agonists as well as less than 10% expression of GPIba and GP9 measured by flow cytometry, which is highly specific for Bernard-Soulier syndrome. Additionally, the patient had excessive mucocutaneous bleeding and macrothrombocytopenia which are consistent with Bernard-Soulier syndrome (PP4). Surface expression of GP9 measured by flow cytometry in 293T cells transiently co-transfected with c.313del (p.Ala105ProfsTer88) variant GP1b and wild type GP1a, and GP9 showed absent expression, indicating that this variant impacts protein function (PMID:10216092 ; PS3_supporting). This variant is absent from gnomAD v4.1.0 (PM2_Supporting). In summary, this variant meets the criteria to be classified as Likely Pathogenic for autosomal recessive Bernard-Soulier syndrome based on the ACMG/AMP criteria applied, as specified by the ClinGen PD VCEP: PVS1_Strong, PP4, PM3, PM2_Supporting and PS3_Supporting (VCEP specifications version 1).

NM_000407.5(GP1BB):c.313del (p.Ala105fs)

Genes: GP1BB (glycoprotein Ib platelet subunit beta; plus strand), SEPT5-GP1BB (SEPT5-GP1BB readthrough; plus strand). Cytogenetic location: 22q11.21.
Variant type: Deletion.
Coding change: c.313del on transcript NM_000407.5 (MANE Select); coding-DNA position 313, one base deleted (G; older notation c.313delG).
Protein change: p.Ala105fs; shifts the reading frame from alanine 105.
Molecular consequence: frameshift variant. On other transcripts: non-coding transcript variant (2).
Genome position (GRCh38, 1-based): chr22:19,724,156, G deleted; the last of 2 consecutive G bases (chr22:19,724,155-19,724,156); deleting either gives the same sequence. VCF-style (leftmost placement, unchanged base first): chr22-19724154-TG-T. GRCh37 (hg19) VCF-style: chr22-19711677-TG-T.
Other names: NM_000407.5:c.313del; short protein forms A105fs.
Identifiers: ClinVar variation 4849251 (VCV004849251.1).
Genomic context (GRCh38, chr22:19,724,154, plus strand): 5'-CACACCTGGGCGCCAACCCCTGGCGCTGCGACTGCCGCCTTGTGCCGCTGCGCGCCTGGC[TG>T]GCCGGCCGCCCCGAGCGTGCGCCCTACCGCGACCTGCGTTGCGTGGCGCCCCCAGCGCTG-3'